The following is an entry in ClinVar:

ClinVar aggregate classification (germline): Uncertain significance (1 of 4 stars; one submission).

Submission:

CeGaT Center for Human Genetics Tuebingen
Classification: Uncertain significance. Last evaluated: 2023-03-01. Review status: criteria provided, single submitter. Criteria: CeGaT Center For Human Genetics Tuebingen Variant Classification Criteria Version 2. Collection method: clinical testing. Allele origin: germline. Affected: yes. Observed: 1 variant allele.
Comment: FLNC: PM2

NM_001458.5(FLNC):c.4373G>C (p.Arg1458Thr)

Gene: FLNC (filamin C; plus strand). Cytogenetic location: 7q32.1.
Variant type: single nucleotide variant.
Coding change: c.4373G>C on transcript NM_001458.5 (MANE Select); coding-DNA position 4373, G replaced by C.
Protein change: p.Arg1458Thr; replaces arginine 1458 with threonine.
Molecular consequence: missense variant.
Genome position (GRCh38, 1-based): chr7:128,847,781, G>C. VCF-style: chr7-128847781-G-C. GRCh37 (hg19) VCF-style: chr7-128487835-G-C.
Other names: c.4373G>C, p.Arg1458Thr (NM_001127487.2); short protein forms R1458T.
Identifiers: ClinVar variation 2657992 (VCV002657992.24), dbSNP rs2536645893, ClinGen allele CA369201384.